The following is an entry in ClinVar:

NM_006092.4(NOD1):c.796G>A (p.Glu266Lys)

Gene: NOD1 (nucleotide binding oligomerization domain containing 1; minus strand). Cytogenetic location: 7p14.3.
Variant type: single nucleotide variant.
Coding change: c.796G>A on transcript NM_006092.4 (MANE Select); coding-DNA position 796, G replaced by A.
Protein change: p.Glu266Lys; replaces glutamic acid 266 with lysine.
Molecular consequence: missense variant. On other transcripts: non-coding transcript variant (1).
Genome position (GRCh38, 1-based): chr7:30,452,621, C>T on the plus strand (G>A on the coding strand, the complement: NOD1 is on the minus strand). VCF-style: chr7-30452621-C-T. GRCh37 (hg19) VCF-style: chr7-30492237-C-T.
Other names: c.796G>A, p.Glu266Lys (NM_001354849.2); short protein forms E266K.
Identifiers: ClinVar variation 1235615 (VCV001235615.3), dbSNP rs2075820, ClinGen allele CA4205121.
Genomic context (GRCh38, chr7:30,452,621, plus strand): 5'-GGCCATCGAAGGTGAAGAGGGCCACGTGGGGGAAGCGCAGCAGGAAGGCAAACACCTCCT[C>T]GGGGTCCCGCTCTGGGTAGCAGTAGTGCTTGAAGAGCAGGTCCTGCAGACACAGCCTGTC-3'
Protein context (NP_006083.1, residues 256-276): KHYCYPERDP[Glu266Lys]EVFAFLLRFP

ClinVar aggregate classification (germline): Benign (1 of 4 stars; one submission).

Allele frequency attached by ClinVar (database versions not stated): gnomAD exomes 0.25618 and 0.26937; ExAC 0.27766; gnomAD 0.28030 and 0.28444; TOPMed 0.28065; ESP Exome Variant Server 0.29064; 1000 Genomes Project 30x 0.33198; 1000 Genomes Project 0.33746.
gnomAD v4.1: 418,251 of 1,613,520 alleles (26%); highest among the groups gnomAD compares: East Asian, 41%; 56,779 homozygotes.

Submission:

GeneDx
Classification: Benign. Last evaluated: 2021-04-14. Review status: criteria provided, single submitter. Criteria: GeneDx Variant Classification Process June 2021. Collection method: clinical testing. Allele origin: germline. Affected: yes.
Comment: This variant is associated with the following publications: (PMID: 17309748, 19538217, 19882212)